The following is an entry in ClinVar:

ClinVar aggregate classification (germline): Uncertain significance (1 of 4 stars; one submission).

Allele frequency attached by ClinVar (database versions not stated): gnomAD 0.00001; gnomAD exomes 0.00002; TOPMed 0.00002.

Submission:

Labcorp Genetics (formerly Invitae), Labcorp
Classification: Uncertain significance. Last evaluated: 2022-10-25. Review status: criteria provided, single submitter. Criteria: Invitae Variant Classification Sherloc (09022015). Collection method: clinical testing. Allele origin: germline.
Comment: In summary, the available evidence is currently insufficient to determine the role of this variant in disease. Therefore, it has been classified as a Variant of Uncertain Significance. Algorithms developed to predict the effect of missense changes on protein structure and function (SIFT, PolyPhen-2, Align-GVGD) all suggest that this variant is likely to be tolerated. This variant has not been reported in the literature in individuals affected with OBSL1-related conditions. The frequency data for this variant in the population databases is considered unreliable, as metrics indicate poor data quality at this position in the gnomAD database. This sequence change replaces leucine, which is neutral and non-polar, with proline, which is neutral and non-polar, at codon 70 of the OBSL1 protein (p.Leu70Pro).

NM_015311.3(OBSL1):c.209T>C (p.Leu70Pro)

Gene: OBSL1 (obscurin like cytoskeletal adaptor 1; minus strand). Cytogenetic location: 2q35.
Variant type: single nucleotide variant.
Coding change: c.209T>C on transcript NM_015311.3 (MANE Select); coding-DNA position 209, T replaced by C.
Protein change: p.Leu70Pro; replaces leucine 70 with proline.
Molecular consequence: missense variant.
Genome position (GRCh38, 1-based): chr2:219,571,024, A>G on the plus strand (T>C on the coding strand, the complement: OBSL1 is on the minus strand). VCF-style: chr2-219571024-A-G. GRCh37 (hg19) VCF-style: chr2-220435746-A-G.
Other names: c.209T>C, p.Leu70Pro (NM_001173408.2, NM_001173431.2); short protein forms L70P.
Identifiers: ClinVar variation 1981035 (VCV001981035.4), dbSNP rs1404629311, ClinGen allele CA350766080.